The following is an entry in ClinVar:

NM_006073.4(TRDN):c.713AAG[1] (p.Glu239del)

Gene: TRDN (triadin; minus strand). Cytogenetic location: 6q22.31.
Variant type: Microsatellite.
Coding change: c.713AAG[1] on transcript NM_006073.4 (MANE Select); one copy of the 3-base unit AAG starting at c.713; the reference has two copies in a row; one copy, 3 bases deleted.
Protein change: p.Glu239del; deletes glutamic acid 239.
Molecular consequence: inframe deletion. On other transcripts: inframe indel (1).
Genome position (GRCh38, 1-based): chr6:123,503,794-123,503,796, CTT deleted on the plus strand (AAG on the coding strand, the reverse complement: TRDN is on the minus strand); deleting any 3 consecutive bases within chr6:123,503,794-123,503,799 gives the same sequence; the position shown is the placement nearest the transcript's 3' end. VCF-style (leftmost placement, unchanged base first): chr6-123503793-ACTT-A. GRCh37 (hg19) VCF-style: chr6-123824938-ACTT-A.
Other names: c.713AAG[1], p.Glu239del (NM_001251987.2, NM_001256020.2, NM_001256021.2); c.713_715AAG[1], p.Glu239del (NM_001407315.1); short protein forms E239del.
Identifiers: ClinVar variation 1757439 (VCV001757439.2), dbSNP rs1428885876, ClinGen allele CA570510802.
Genomic context (GRCh38, chr6:123,503,793, plus strand): 5'-TTTGACACAGCTGCTTTCTCTTTGTCCTCCTTTTCTTTGGGTTTTGATGGTGTTTTCTGT[ACTT>A]CTTTTACTTTTGCAGCTGTTTGCTTCACTTTCTCCTGTTTTCCACCTTTCACTTCCTTTT-3'

ClinVar aggregate classification (germline): Uncertain significance (1 of 4 stars; one submission).

Conditions:
Cardiovascular phenotype. Identifiers: MedGen CN230736.

Submission:

Ambry Genetics
Classification: Uncertain significance for Cardiovascular phenotype. Last evaluated: 2022-10-27. Review status: criteria provided, single submitter. Criteria: Ambry Variant Classification Scheme 2023. Collection method: clinical testing. Allele origin: germline.
Comment: The c.716_718delAAG variant (also known as p.E239del) is located in coding exon 8 of the TRDN gene. This variant results from an in-frame AAG deletion at nucleotide positions 716 to 718. This results in the in-frame deletion of a glutamic acid at codon 239. This amino acid position is well conserved in available vertebrate species. In addition, the in silico prediction for this alteration is inconclusive (Choi Y et al. PLoS ONE. 2012; 7(10):e46688). Since supporting evidence is limited at this time, the clinical significance of this alteration remains unclear.